The following is an entry in ClinVar:

ClinVar aggregate classification (germline): Uncertain significance. Review status: criteria provided, single submitter (1 of 4 stars). 2 submissions from 2 submitters: Uncertain significance (1). 1 of the submissions does not count toward it. Last evaluated 2022-06-15.

Conditions:
Prostate cancer, hereditary, 1 (HPC1). Identifiers: Orphanet 1331, MedGen C4722327, MONDO:0011098, OMIM 601518.

Allele frequency attached by ClinVar (database versions not stated): gnomAD exomes below 0.00001.

Submissions (2):

Labcorp Genetics (formerly Invitae), Labcorp
Classification: Uncertain significance. Last evaluated: 2022-06-15. Review status: criteria provided, single submitter. Criteria: Invitae Variant Classification Sherloc (09022015). Collection method: clinical testing. Allele origin: germline.
Comment: This sequence change replaces glutamine, which is neutral and polar, with histidine, which is basic and polar, at codon 150 of the HOXB13 protein (p.Gln150His). This variant is not present in population databases (gnomAD no frequency). This variant has not been reported in the literature in individuals affected with HOXB13-related conditions. ClinVar contains an entry for this variant (Variation ID: 690771). Algorithms developed to predict the effect of missense changes on protein structure and function are either unavailable or do not agree on the potential impact of this missense change (SIFT: "Tolerated"; PolyPhen-2: "Possibly Damaging"; Align-GVGD: "Class C0"). In summary, the available evidence is currently insufficient to determine the role of this variant in disease. Therefore, it has been classified as a Variant of Uncertain Significance.

Laboratory of Virology, Microbiology,  Quality and Medical Biotechnologies, Faculty of Sciences and Techniques - Mohammedia, Hassan II University of Casablanca
Classification: Uncertain significance for Prostate cancer, hereditary, 1. Review status: no assertion criteria provided. Collection method: clinical testing. Allele origin: somatic. Affected: yes. Not counted in ClinVar's aggregate classification.

NM_006361.6(HOXB13):c.450G>C (p.Gln150His)

Gene: HOXB13 (homeobox B13; minus strand). Cytogenetic location: 17q21.32.
Variant type: single nucleotide variant.
Coding change: c.450G>C on transcript NM_006361.6 (MANE Select); coding-DNA position 450, G replaced by C.
Protein change: p.Gln150His; replaces glutamine 150 with histidine.
Molecular consequence: missense variant.
Genome position (GRCh38, 1-based): chr17:48,728,144, C>G on the plus strand (G>C on the coding strand, the complement: HOXB13 is on the minus strand). VCF-style: chr17-48728144-C-G. GRCh37 (hg19) VCF-style: chr17-46805506-C-G.
Other names: short protein forms Q150H.
Identifiers: ClinVar variation 690771 (VCV000690771.6), dbSNP rs1597934182, ClinGen allele CA400107427.